The following is an entry in ClinVar:

ClinVar aggregate classification (germline): Pathogenic (1 of 4 stars; one submission).

Conditions:
Peroxisome biogenesis disorder 11A (Zellweger). Also called: Peroxisome biogenesis disorder 11A. Identifiers: Orphanet 912, MedGen C3554000, MONDO:0013949, OMIM 614883.

Allele frequency attached by ClinVar (database versions not stated): gnomAD exomes below 0.00001 and 0.00001.
gnomAD v4.1: 2 of 1,614,018 alleles (0.00012%); highest among the groups gnomAD compares: Admixed American, 0.0033%; no homozygotes.

Submission:

Labcorp Genetics (formerly Invitae), Labcorp
Classification: Pathogenic for Peroxisome biogenesis disorder 11A (Zellweger). Last evaluated: 2025-09-30. Review status: criteria provided, single submitter. Criteria: Invitae Variant Classification Sherloc (09022015). Collection method: clinical testing. Allele origin: germline.
Comment: This sequence change creates a premature translational stop signal (p.Trp313*) in the PEX13 gene. While this is not anticipated to result in nonsense mediated decay, it is expected to disrupt the last 91 amino acid(s) of the PEX13 protein. This variant is present in population databases (no rsID available, gnomAD 0.006%). This premature translational stop signal has been observed in individual(s) with Zellweger spectrum disorder (PMID: 35854306). ClinVar contains an entry for this variant (Variation ID: 963417). This variant disrupts a region of the PEX13 protein in which other variant(s) (p.Trp313Gly) have been determined to be pathogenic (PMID: 17041890, 23716570). This suggests that this is a clinically significant region of the protein, and that variants that disrupt it are likely to be disease-causing. For these reasons, this variant has been classified as Pathogenic.

Literature cited by the submitters: PubMed 35854306; PubMed 17041890; PubMed 23716570.

NM_002618.4(PEX13):c.939G>A (p.Trp313Ter)

Gene: PEX13 (peroxisomal biogenesis factor 13; plus strand). Cytogenetic location: 2p15.
Variant type: single nucleotide variant.
Coding change: c.939G>A on transcript NM_002618.4 (MANE Select); coding-DNA position 939, G replaced by A.
Protein change: p.Trp313Ter; replaces tryptophan 313 with a stop codon.
Molecular consequence: nonsense.
Genome position (GRCh38, 1-based): chr2:61,048,497, G>A. VCF-style: chr2-61048497-G-A. GRCh37 (hg19) VCF-style: chr2-61275632-G-A.
Other names: short protein forms W313*.
Identifiers: ClinVar variation 963417 (VCV000963417.9), dbSNP rs1428782325, ClinGen allele CA346949582.